The following is an entry in ClinVar:

ClinVar aggregate classification (germline): Uncertain significance (1 of 4 stars; one submission).

Conditions:
Familial temporal lobe epilepsy 7. Identifiers: Orphanet 101046, MedGen C4225327, MONDO:0014639, OMIM 616436.
Norman-Roberts syndrome (LIS2). Also called: Lissencephaly 2 (Norman-Roberts type). Identifiers: Orphanet 89844, MedGen C0796089, MONDO:0009760, OMIM 257320.

Submission:

Labcorp Genetics (formerly Invitae), Labcorp
Classification: Uncertain significance for Familial temporal lobe epilepsy 7; Norman-Roberts syndrome. Last evaluated: 2022-09-01. Review status: criteria provided, single submitter. Criteria: Invitae Variant Classification Sherloc (09022015). Collection method: clinical testing. Allele origin: germline.
Comment: This variant has not been reported in the literature in individuals affected with RELN-related conditions. This variant is not present in population databases (gnomAD no frequency). This sequence change replaces alanine, which is neutral and non-polar, with glutamic acid, which is acidic and polar, at codon 161 of the RELN protein (p.Ala161Glu). ClinVar contains an entry for this variant (Variation ID: 1435610). In summary, the available evidence is currently insufficient to determine the role of this variant in disease. Therefore, it has been classified as a Variant of Uncertain Significance. Algorithms developed to predict the effect of missense changes on protein structure and function are either unavailable or do not agree on the potential impact of this missense change (SIFT: "Deleterious"; PolyPhen-2: "Benign"; Align-GVGD: "Class C0").

NM_005045.4(RELN):c.482C>A (p.Ala161Glu)

Gene: RELN (reelin; minus strand). Cytogenetic location: 7q22.1.
Variant type: single nucleotide variant.
Coding change: c.482C>A on transcript NM_005045.4 (MANE Select); coding-DNA position 482, C replaced by A.
Protein change: p.Ala161Glu; replaces alanine 161 with glutamic acid.
Molecular consequence: missense variant.
Genome position (GRCh38, 1-based): chr7:103,776,619, G>T on the plus strand (C>A on the coding strand, the complement: RELN is on the minus strand). VCF-style: chr7-103776619-G-T. GRCh37 (hg19) VCF-style: chr7-103417066-G-T.
Other names: c.482C>A, p.Ala161Glu (NM_173054.3); short protein forms A161E.
Identifiers: ClinVar variation 1435610 (VCV001435610.6), dbSNP rs2116212265, ClinGen allele CA368930612.
Genomic context (GRCh38, chr7:103,776,619, plus strand): 5'-CCTTGTTCACACAACTGCTGGGCTAAAGCATCTTTGAAAATAACCTGGCCCCGGTGTGTT[G>T]CTGTAGCCCTGGAAACAAATAGGAAAAGGTTAATTCAACTCTTGTAATATGTTTGGTGAA-3'
Protein context (NP_005036.2, residues 151-171): GTGCVNFMAT[Ala161Glu]THRGQVIFKD